The following is an entry in ClinVar:

ClinVar aggregate classification (germline): Uncertain significance (1 of 4 stars; one submission).

Submission:

Ambry Genetics
Classification: Uncertain significance. Last evaluated: 2025-08-04. Review status: criteria provided, single submitter. Criteria: Ambry Variant Classification Scheme 2023. Collection method: clinical testing. Allele origin: germline.
Comment: The p.A366V variant (also known as c.1097C>T), located in coding exon 5 of the PALLD gene, results from a C to T substitution at nucleotide position 1097. The alanine at codon 366 is replaced by valine, an amino acid with similar properties. This amino acid position is conserved. In addition, the in silico prediction for this alteration is inconclusive. Based on the available evidence, the clinical significance of this variant remains unclear.

NM_001166108.2(PALLD):c.2609C>T (p.Ala870Val)

Genes: CBR4 (carbonyl reductase 4; minus strand), PALLD (palladin, cytoskeletal associated protein; plus strand). Cytogenetic location: 4q32.3.
Variant type: single nucleotide variant.
Coding change: c.2609C>T on transcript NM_001166108.2 (MANE Select); coding-DNA position 2609, C replaced by T.
Protein change: p.Ala870Val; replaces alanine 870 with valine.
Molecular consequence: missense variant.
Genome position (GRCh38, 1-based): chr4:168,903,893, C>T. VCF-style: chr4-168903893-C-T. GRCh37 (hg19) VCF-style: chr4-169825044-C-T.
Other names: c.1412C>T, p.Ala471Val (NM_001166109.2); c.1097C>T, p.Ala366Val (NM_001166110.2); c.437C>T, p.Ala146Val (NM_001367567.1, NM_001367569.1); c.488C>T, p.Ala163Val (NM_001367568.1, NM_001367570.1); c.2558C>T, p.Ala853Val (NM_016081.4); short protein forms A366V, A146V, A853V, A870V, A163V, A471V.
Identifiers: ClinVar variation 4130428 (VCV004130428.1).
Genomic context (GRCh38, chr4:168,903,893, plus strand): 5'-CCTGCTCCCTCCATACCACAGCCTCCACCCTAGATGATGATGGGAATTATACAATTATGG[C>T]TGCAAACCCTCAGGTAAAGAAGGGTATAGGTCTGGGCTCAGTTCTGTGTCTAGTGCTTAC-3'
Protein context (NP_001159580.1, residues 860-880): LDDDGNYTIM[Ala870Val]ANPQGRISCT